The following is an entry in ClinVar:

NM_133433.4(NIPBL):c.4154T>A (p.Met1385Lys)

Gene: NIPBL (NIPBL cohesin loading factor; plus strand). Cytogenetic location: 5p13.2.
Variant type: single nucleotide variant.
Coding change: c.4154T>A on transcript NM_133433.4 (MANE Select); coding-DNA position 4154, T replaced by A.
Protein change: p.Met1385Lys; replaces methionine 1385 with lysine.
Molecular consequence: missense variant.
Genome position (GRCh38, 1-based): chr5:37,007,389, T>A. VCF-style: chr5-37007389-T-A. GRCh37 (hg19) VCF-style: chr5-37007491-T-A.
Other names: c.4154T>A, p.Met1385Lys (NM_015384.5); short protein forms M1385K.
Identifiers: ClinVar variation 3907981 (VCV003907981.1).
Genomic context (GRCh38, chr5:37,007,389, plus strand): 5'-TATTAAGTTCAAAAGCAAAACGGGCTAAATGTTCTACCCATAAGCAGAGAGTAATAGTAA[T>A]GCTTTATAACAAAGTTTGTGACATTGTTAGCAGCTTATCAGAATTGCTAGAGATACAACT-3'
Protein context (NP_597677.2, residues 1375-1395): CSTHKQRVIV[Met1385Lys]LYNKVCDIVS

ClinVar aggregate classification (germline): Uncertain significance (1 of 4 stars; one submission).

Submission:

GeneDx
Classification: Uncertain significance. Last evaluated: 2024-12-26. Review status: criteria provided, single submitter. Criteria: GeneDx Variant Classification Process June 2021. Collection method: clinical testing. Allele origin: germline. Affected: yes.
Comment: Not observed at significant frequency in large population cohorts (gnomAD); In silico analysis indicates that this missense variant does not alter protein structure/function; Has not been previously published as pathogenic or benign to our knowledge